The following is an entry in ClinVar:

NM_001127464.1:c.964C>T

Gene: ZNF469 (zinc finger protein 469; plus strand).
Variant type: single nucleotide variant.
Identifiers: ClinVar variation 4615523 (VCV004615523.1).

ClinVar aggregate classification (germline): Uncertain significance (1 of 4 stars; one submission).

Conditions:
Cardiovascular phenotype. Identifiers: MedGen CN230736.

Submission:

Ambry Genetics
Classification: Uncertain significance for Cardiovascular phenotype. Last evaluated: 2025-11-24. Review status: criteria provided, single submitter. Criteria: Ambry Variant Classification Scheme 2023. Collection method: clinical testing. Allele origin: germline.
Comment: The p.P322S variant (also known as c.964C>T), located in coding exon 1 of the ZNF469 gene, results from a C to T substitution at nucleotide position 964. The proline at codon 322 is replaced by serine, an amino acid with similar properties. This amino acid position is conserved. In addition, this alteration is predicted to be tolerated by in silico analysis. Based on the available evidence, the clinical significance of this variant remains unclear.